The following is an entry in ClinVar:

ClinVar aggregate classification (germline): Likely benign (1 of 4 stars; one submission).

gnomAD v4.1: 54 of 152,318 alleles (0.035%); highest among the groups gnomAD compares: African/African-American, 0.11%; no homozygotes.

Submission:

CeGaT Center for Human Genetics Tuebingen
Classification: Likely benign. Last evaluated: 2025-12-01. Review status: criteria provided, single submitter. Criteria: CeGaT Center For Human Genetics Tuebingen Variant Classification Criteria Version 2. Collection method: clinical testing. Allele origin: germline. Affected: yes. Observed: 1 variant allele.
Comment: RNU4-2: BS1

NR_003137.3(RNU4-2):n.107T>C

Genes: RNU4-2 (RNA, U4 small nuclear 2; minus strand), SIRT4 (sirtuin 4; plus strand). Cytogenetic location: 12q24.23.
Variant type: single nucleotide variant.
Molecular consequence: non-coding transcript variant (on NR_003137.3).
Genome position: GRCh38 VCF-style: chr12-120291797-A-G. GRCh37 (hg19) VCF-style: chr12-120729600-A-G.
Identifiers: ClinVar variation 4681777 (VCV004681777.5).
Genomic context (GRCh38, chr12:120,291,797, plus strand): 5'-TTTTCTTTAGACTTTTAAAAATTCAGTCTCCGTAGAGACTGTCAAAAATTGCCAATGCCG[A>G]CTATATTTCAAGTCGTCATGGCGGGGTATTGGGAAAAGTTTTCAATTAGCAATAATCGCG-3'